The following is an entry in ClinVar:

ClinVar aggregate classification (germline): Uncertain significance (1 of 4 stars; one submission).

Submission:

GeneDx
Classification: Uncertain significance. Last evaluated: 2025-03-07. Review status: criteria provided, single submitter. Criteria: GeneDx Variant Classification Process June 2021. Collection method: clinical testing. Allele origin: germline. Affected: yes.
Comment: Nonsense variant predicted to result in protein truncation or nonsense mediated decay in a gene or region of a gene for which loss of function is not a well-established mechanism of disease; Not observed at significant frequency in large population cohorts (gnomAD); Has not been previously published as pathogenic or benign to our knowledge

NM_000744.7(CHRNA4):c.664A>T (p.Lys222Ter)

Gene: CHRNA4 (cholinergic receptor nicotinic alpha 4 subunit; minus strand). Cytogenetic location: 20q13.33.
Variant type: single nucleotide variant.
Coding change: c.664A>T on transcript NM_000744.7 (MANE Select); coding-DNA position 664, A replaced by T.
Protein change: p.Lys222Ter; replaces lysine 222 with a stop codon.
Molecular consequence: nonsense. On other transcripts: non-coding transcript variant (1).
Genome position (GRCh38, 1-based): chr20:63,350,747, T>A on the plus strand (A>T on the coding strand, the complement: CHRNA4 is on the minus strand). VCF-style: chr20-63350747-T-A. GRCh37 (hg19) VCF-style: chr20-61982099-T-A.
Other names: c.136A>T, p.Lys46Ter (NM_001256573.2); short protein forms K222*, K46*.
Identifiers: ClinVar variation 4083172 (VCV004083172.1).